The following is an entry in ClinVar:

ClinVar aggregate classification (germline): Uncertain significance (1 of 4 stars; one submission).

Conditions:
Early-infantile DEE. Also called: Early infantile epileptic encephalopathy; Early infantile epileptic encephalopathy with suppression bursts; Ohtahara syndrome. Identifiers: Orphanet 1934, MedGen C0393706, MONDO:0800491.

Submission:

Labcorp Genetics (formerly Invitae), Labcorp
Classification: Uncertain significance for Early-infantile DEE. Last evaluated: 2021-12-03. Review status: criteria provided, single submitter. Criteria: Invitae Variant Classification Sherloc (09022015). Collection method: clinical testing. Allele origin: germline.
Comment: In summary, the available evidence is currently insufficient to determine the role of this variant in disease. Therefore, it has been classified as a Variant of Uncertain Significance. Algorithms developed to predict the effect of missense changes on protein structure and function (SIFT, PolyPhen-2, Align-GVGD) all suggest that this variant is likely to be tolerated. This variant has not been reported in the literature in individuals affected with ARHGEF15-related conditions. This variant is not present in population databases (gnomAD no frequency). This sequence change replaces proline, which is neutral and non-polar, with arginine, which is basic and polar, at codon 171 of the ARHGEF15 protein (p.Pro171Arg).

NM_173728.4(ARHGEF15):c.512C>G (p.Pro171Arg)

Gene: ARHGEF15 (Rho guanine nucleotide exchange factor 15; plus strand). Cytogenetic location: 17p13.1.
Variant type: single nucleotide variant.
Coding change: c.512C>G on transcript NM_173728.4 (MANE Select); coding-DNA position 512, C replaced by G.
Protein change: p.Pro171Arg; replaces proline 171 with arginine.
Molecular consequence: missense variant.
Genome position (GRCh38, 1-based): chr17:8,312,551, C>G. VCF-style: chr17-8312551-C-G. GRCh37 (hg19) VCF-style: chr17-8215869-C-G.
Other names: c.512C>G, p.Pro171Arg (NM_025014.2); short protein forms P171R.
Identifiers: ClinVar variation 1388791 (VCV001388791.7), dbSNP rs147736312, ClinGen allele CA398014843.